The following is an entry in ClinVar:

ClinVar aggregate classification (germline): Benign (1 of 4 stars; one submission).

Conditions:
Cardiomyopathy (CMYO). Also called: Cardiomyopathies. Identifiers: Orphanet 167848, MedGen C0878544, MONDO:0004994, HP:0001638. Inheritance: Various modes of inheritance.

Submission:

GeneDx
Classification: Benign for Cardiomyopathy. Last evaluated: 2014-02-24. Review status: criteria provided, single submitter. Criteria: GeneDx Variant Classification (06012015). Collection method: clinical testing. Allele origin: germline. Affected: yes.
Comment: The variant is found in DCM,HCM,DCM-CRDM panel(s).

NM_005159.4:c.129+17insC

Gene: ACTC1 (actin alpha cardiac muscle 1; minus strand). Cytogenetic location: 15q14.
Variant type: Insertion.
Identifiers: ClinVar variation 180750 (VCV000180750.1).